The following is an entry in ClinVar:

NM_003476.5(CSRP3):c.182G>A (p.Cys61Tyr)

Gene: CSRP3 (cysteine and glycine rich protein 3; minus strand). Cytogenetic location: 11p15.1.
Variant type: single nucleotide variant.
Coding change: c.182G>A on transcript NM_003476.5 (MANE Select); coding-DNA position 182, G replaced by A.
Protein change: p.Cys61Tyr; replaces cysteine 61 with tyrosine.
Molecular consequence: missense variant. On other transcripts: intron variant (1).
Genome position (GRCh38, 1-based): chr11:19,188,235, C>T on the plus strand (G>A on the coding strand, the complement: CSRP3 is on the minus strand). VCF-style: chr11-19188235-C-T. GRCh37 (hg19) VCF-style: chr11-19209782-C-T.
Other names: c.182G>A, p.Cys61Tyr (NM_001127656.1); c.113-1887G>A (NM_001369404.1); short protein forms C61Y.
Identifiers: ClinVar variation 2950042 (VCV002950042.3), dbSNP rs2494223507, ClinGen allele CA379888313.

ClinVar aggregate classification (germline): Uncertain significance (1 of 4 stars; one submission).

Conditions:
Hypertrophic cardiomyopathy 12. Identifiers: MedGen C2677491, MONDO:0012804, OMIM 612124.
Dilated cardiomyopathy 1M (CMD1M). Identifiers: Orphanet 154, MedGen C1843808, MONDO:0011840, OMIM 607482.

Submission:

Labcorp Genetics (formerly Invitae), Labcorp
Classification: Uncertain significance for Hypertrophic cardiomyopathy 12; Dilated cardiomyopathy 1M. Last evaluated: 2023-07-18. Review status: criteria provided, single submitter. Criteria: Invitae Variant Classification Sherloc (09022015). Collection method: clinical testing. Allele origin: germline.
Comment: This sequence change replaces cysteine, which is neutral and slightly polar, with tyrosine, which is neutral and polar, at codon 61 of the CSRP3 protein (p.Cys61Tyr). This variant is not present in population databases (gnomAD no frequency). This variant has not been reported in the literature in individuals affected with CSRP3-related conditions. An algorithm developed to predict the effect of missense changes on protein structure and function (PolyPhen-2) suggests that this variant is likely to be disruptive. In summary, the available evidence is currently insufficient to determine the role of this variant in disease. Therefore, it has been classified as a Variant of Uncertain Significance.